The following is an entry in ClinVar:

ClinVar aggregate classification (germline): Uncertain significance (1 of 4 stars; one submission).

Conditions:
Hereditary spastic paraplegia 39 (SPG39). Also called: SPASTIC PARAPLEGIA 39, AUTOSOMAL RECESSIVE; Spastic Paraplegia Type 39 (SPG39). Identifiers: Orphanet 139480, MedGen C2677586, MONDO:0012787, OMIM 612020.

Allele frequency attached by ClinVar (database versions not stated): TOPMed below 0.00001; gnomAD 0.00001; gnomAD exomes 0.00001.

Submission:

Labcorp Genetics (formerly Invitae), Labcorp
Classification: Uncertain significance for Hereditary spastic paraplegia 39. Last evaluated: 2018-06-11. Review status: criteria provided, single submitter. Criteria: Invitae Variant Classification Sherloc (09022015). Collection method: clinical testing. Allele origin: germline.
Comment: In summary, the available evidence is currently insufficient to determine the role of this variant in disease. Therefore, it has been classified as a Variant of Uncertain Significance. Nucleotide substitutions within the consensus splice site are a relatively common cause of aberrant splicing (PMID: 17576681, 9536098). Algorithms developed to predict the effect of sequence changes on RNA splicing suggest that this variant may disrupt the consensus splice site, but this prediction has not been confirmed by published transcriptional studies. This variant has not been reported in the literature in individuals with PNPLA6-related disease. This variant is not present in population databases (ExAC no frequency). This sequence change falls in intron 28 of the PNPLA6 gene. It does not directly change the encoded amino acid sequence of the PNPLA6 protein, but it affects a nucleotide within the consensus splice site of the intron.

Literature cited by the submitters: PubMed 17576681; PubMed 9536098.

NM_001166114.2(PNPLA6):c.3210+3A>G

Gene: PNPLA6 (patatin like domain 6, lysophospholipase; plus strand). Cytogenetic location: 19p13.2.
Variant type: single nucleotide variant.
Coding change: c.3210+3A>G on transcript NM_001166114.2 (MANE Select); 3 bases into the intron after coding-DNA position 3210, A replaced by G.
Molecular consequence: intron variant.
Genome position (GRCh38, 1-based): chr19:7,556,572, A>G. VCF-style: chr19-7556572-A-G. GRCh37 (hg19) VCF-style: chr19-7621458-A-G.
Other names: c.3096+3A>G (NM_006702.5, NM_001166113.1); c.3015+3A>G (NM_001166112.2); c.3240+3A>G (NM_001166111.2).
Identifiers: ClinVar variation 570132 (VCV000570132.8), dbSNP rs1167974266, ClinGen allele CA884239858.
Genomic context (GRCh38, chr19:7,556,572, plus strand): 5'-CACTGGGTCTGCCTTTAACCGCAGCATCCATCGGGTCTTCCAGGATAAGCAGATTGAGGT[A>G]GGCCCACCTCATCCCCTGCCCTGCCTACCCCTCCCCGGAGGAGCCCCCTGCTCCTCCCCC-3'